The following is an entry in ClinVar:

NM_003748.4(ALDH4A1):c.1631C>T (p.Pro544Leu)

Gene: ALDH4A1 (aldehyde dehydrogenase 4 family member A1; minus strand). Cytogenetic location: 1p36.13.
Variant type: single nucleotide variant.
Coding change: c.1631C>T on transcript NM_003748.4 (MANE Select); coding-DNA position 1631, C replaced by T.
Protein change: p.Pro544Leu; replaces proline 544 with leucine.
Molecular consequence: missense variant.
Genome position (GRCh38, 1-based): chr1:18,872,906, G>A on the plus strand (C>T on the coding strand, the complement: ALDH4A1 is on the minus strand). VCF-style: chr1-18872906-G-A. GRCh37 (hg19) VCF-style: chr1-19199400-G-A.
Other names: c.1451C>T, p.Pro484Leu (NM_001161504.2); c.1478C>T, p.Pro493Leu (NM_001319218.2); c.1631C>T, p.Pro544Leu (NM_170726.3); short protein forms P544L, P484L, P493L.
Identifiers: ClinVar variation 294364 (VCV000294364.15), dbSNP rs72953172, ClinGen allele CA646803.

ClinVar aggregate classification (germline): Benign/Likely benign. Review status: criteria provided, multiple submitters, no conflicts (2 of 4 stars). 3 submissions from 3 submitters: Benign (1); Likely benign (2). Last evaluated 2026-02-02.

Conditions:
Hyperprolinemia type 2 (HYRPRO2). Also called: 1-PYRROLINE-5-CARBOXYLATE DEHYDROGENASE DEFICIENCY; Deficiency of pyrroline-5-carboxylate reductase; Delta-1-pyrroline-5-carboxylate dehydrogenase deficiency. Identifiers: Orphanet 79101, MedGen C2931835, MONDO:0009401, OMIM 239510.

Allele frequency attached by ClinVar (database versions not stated): gnomAD exomes 0.00121 and 0.00330; ExAC 0.00395; gnomAD 0.01276 and 0.01344; ESP Exome Variant Server 0.01384; TOPMed 0.01450; 1000 Genomes Project 0.01857; 1000 Genomes Project 30x 0.01874.
gnomAD v4.1: 3,791 of 1,614,072 alleles (0.23%); highest among the groups gnomAD compares: African/African-American, 4.2%; 79 homozygotes.

Submissions (3):

Labcorp Genetics (formerly Invitae), Labcorp
Classification: Benign for Hyperprolinemia type 2. Last evaluated: 2026-02-02. Review status: criteria provided, single submitter. Criteria: Invitae Variant Classification Sherloc (09022015). Collection method: clinical testing. Allele origin: germline.

Illumina Laboratory Services, Illumina
Classification: Likely benign for Hyperprolinemia type 2. Last evaluated: 2018-01-13. Review status: criteria provided, single submitter. Criteria: ICSL Variant Classification Criteria 13 December 2019. Collection method: clinical testing. Allele origin: germline.
Comment: This variant was observed in the ICSL laboratory as part of a predisposition screen in an ostensibly healthy population. It had not been previously curated by ICSL or reported in the Human Gene Mutation Database (HGMD: prior to June 1st, 2018), and was therefore a candidate for classification through an automated scoring system. Utilizing variant allele frequency, disease prevalence and penetrance estimates, and inheritance mode, an automated score was calculated to assess if this variant is too frequent to cause the disease. Based on the score and internal cut-off values, a variant classified as likely benign is not then subjected to further curation. The score for this variant resulted in a classification of likely benign for this disease.

Breakthrough Genomics
Classification: Likely benign. Review status: criteria provided, single submitter. Criteria: ACMG Guidelines, 2015. Collection method: not provided. Allele origin: germline. Inheritance: Autosomal recessive inheritance. Affected: yes.